The following is an entry in ClinVar:

ClinVar aggregate classification (germline): Uncertain significance. Review status: criteria provided, multiple submitters, no conflicts (2 of 4 stars). 2 submissions from 2 submitters: Uncertain significance (2). Last evaluated 2025-04-12.

Allele frequency attached by ClinVar (database versions not stated): gnomAD 0.00001; gnomAD exomes 0.00001 and below 0.00001; ExAC 0.00001; TOPMed 0.00001; ESP Exome Variant Server 0.00008.
gnomAD v4.1: 8 of 1,613,664 alleles (0.0005%); highest among the groups gnomAD compares: African/African-American, 0.0013%; no homozygotes.

Submissions (2):

Ambry Genetics
Classification: Uncertain significance. Last evaluated: 2025-04-12. Review status: criteria provided, single submitter. Criteria: Ambry Variant Classification Scheme 2023. Collection method: clinical testing. Allele origin: germline.

Labcorp Genetics (formerly Invitae), Labcorp
Classification: Uncertain significance. Last evaluated: 2022-08-16. Review status: criteria provided, single submitter. Criteria: Invitae Variant Classification Sherloc (09022015). Collection method: clinical testing. Allele origin: germline.
Comment: This sequence change replaces threonine, which is neutral and polar, with lysine, which is basic and polar, at codon 109 of the ATP6V1E1 protein (p.Thr109Lys). This variant is present in population databases (rs368549409, gnomAD 0.003%). This variant has not been reported in the literature in individuals affected with ATP6V1E1-related conditions. ClinVar contains an entry for this variant (Variation ID: 1428204). Algorithms developed to predict the effect of missense changes on protein structure and function (SIFT, PolyPhen-2, Align-GVGD) all suggest that this variant is likely to be tolerated. In summary, the available evidence is currently insufficient to determine the role of this variant in disease. Therefore, it has been classified as a Variant of Uncertain Significance.

NM_001696.4(ATP6V1E1):c.326C>A (p.Thr109Lys)

Gene: ATP6V1E1 (ATPase H+ transporting V1 subunit E1; minus strand). Cytogenetic location: 22q11.21.
Variant type: single nucleotide variant.
Coding change: c.326C>A on transcript NM_001696.4 (MANE Select); coding-DNA position 326, C replaced by A.
Protein change: p.Thr109Lys; replaces threonine 109 with lysine.
Molecular consequence: missense variant. On other transcripts: intron variant (1).
Genome position (GRCh38, 1-based): chr22:17,601,132, G>T on the plus strand (C>A on the coding strand, the complement: ATP6V1E1 is on the minus strand). VCF-style: chr22-17601132-G-T. GRCh37 (hg19) VCF-style: chr22-18083898-G-T.
Other names: c.260C>A, p.Thr87Lys (NM_001039366.1); c.277-1037C>A (NM_001039367.1); c.326C>A (NM_001696.3); short protein forms T109K, T87K.
Identifiers: ClinVar variation 1428204 (VCV001428204.4), dbSNP rs368549409, ClinGen allele CA10090143.